The following is an entry in ClinVar:

NM_000038.6(APC):c.1548+5G>A

Gene: APC (APC regulator of Wnt signaling pathway; plus strand). Cytogenetic location: 5q22.2.
Variant type: single nucleotide variant.
Coding change: c.1548+5G>A on transcript NM_000038.6 (MANE Select); 5 bases into the intron after coding-DNA position 1548, G replaced by A.
Molecular consequence: intron variant.
Genome position (GRCh38, 1-based): chr5:112,827,252, G>A. VCF-style: chr5-112827252-G-A. GRCh37 (hg19) VCF-style: chr5-112162949-G-A.
Other names: c.1602+5G>A (NM_001354896.2, NM_001407447.1, NM_001407448.1 and 1 more transcripts); c.1425+5G>A (NM_001354900.2); c.1371+5G>A (NM_001354901.2, NM_001407453.1); c.1068+5G>A (NM_001354905.2); c.1245+5G>A (NM_001354903.2, NM_001407460.1, NM_001407458.1 and 1 more transcripts); c.1464+5G>A (NM_001354899.2); c.1299+5G>A (NM_001407454.1, NM_001407456.1, NM_001407457.1 and 1 more transcripts); c.1161+5G>A (NM_001407467.1, NM_001407469.1); and 11 more.
Identifiers: ClinVar variation 3651767 (VCV003651767.3).

ClinVar aggregate classification (germline): Uncertain significance. Review status: criteria provided, multiple submitters, no conflicts (2 of 4 stars). 2 submissions from 2 submitters: Uncertain significance (2). Last evaluated 2025-07-22.

Conditions:
Hereditary cancer-predisposing syndrome. Also called: Hereditary Cancer Syndrome; Neoplastic Syndromes, Hereditary; Hereditary neoplastic syndrome; Tumor predisposition. Identifiers: Orphanet 140162, MedGen C0027672, MeSH D009386, MONDO:0015356.
Familial adenomatous polyposis 1 (FAP1). Also called: FAMILIAL ADENOMATOUS POLYPOSIS 1, ATTENUATED; POLYPOSIS, ADENOMATOUS INTESTINAL. Identifiers: MedGen C2713442, MONDO:0021056, OMIM 175100. Disease mechanism: loss of function.

Submissions (2):

Ambry Genetics
Classification: Uncertain significance for Hereditary cancer-predisposing syndrome. Last evaluated: 2025-07-22. Review status: criteria provided, single submitter. Criteria: Ambry Variant Classification Scheme 2023. Collection method: clinical testing. Allele origin: germline.
Comment: The c.1548+5G>A intronic variant results from a G to A substitution 5 nucleotides after coding exon 11 in the APC gene. This nucleotide position is well conserved in available vertebrate species. In silico splice site analysis predicts that this alteration will not have any significant effect on splicing. Based on the available evidence, the clinical significance of this variant remains unclear.

Labcorp Genetics (formerly Invitae), Labcorp
Classification: Uncertain significance for Familial adenomatous polyposis 1. Last evaluated: 2024-07-10. Review status: criteria provided, single submitter. Criteria: Invitae Variant Classification Sherloc (09022015). Collection method: clinical testing. Allele origin: germline.
Comment: This sequence change falls in intron 12 of the APC gene. It does not directly change the encoded amino acid sequence of the APC protein. It affects a nucleotide within the consensus splice site. This variant is not present in population databases (gnomAD no frequency). This variant has not been reported in the literature in individuals affected with APC-related conditions. Variants that disrupt the consensus splice site are a relatively common cause of aberrant splicing (PMID: 17576681, 9536098). Algorithms developed to predict the effect of sequence changes on RNA splicing suggest that this variant is not likely to affect RNA splicing. In summary, the available evidence is currently insufficient to determine the role of this variant in disease. Therefore, it has been classified as a Variant of Uncertain Significance.

Literature cited by the submitters: PubMed 17576681 (cited by Labcorp Genetics (formerly Invitae), Labcorp); PubMed 9536098 (cited by Labcorp Genetics (formerly Invitae), Labcorp).